The following is an entry in ClinVar:

NM_004646.4(NPHS1):c.1724C>A (p.Pro575Gln)

Gene: NPHS1 (NPHS1 adhesion molecule, nephrin; minus strand). Cytogenetic location: 19q13.12.
Variant type: single nucleotide variant.
Coding change: c.1724C>A on transcript NM_004646.4 (MANE Select); coding-DNA position 1724, C replaced by A.
Protein change: p.Pro575Gln; replaces proline 575 with glutamine.
Molecular consequence: missense variant.
Genome position (GRCh38, 1-based): chr19:35,845,702, G>T on the plus strand (C>A on the coding strand, the complement: NPHS1 is on the minus strand). VCF-style: chr19-35845702-G-T. GRCh37 (hg19) VCF-style: chr19-36336604-G-T.
Other names: short protein forms P575Q.
Identifiers: ClinVar variation 56448 (VCV000056448.2), dbSNP rs386833890, ClinGen allele CA250138.
Genomic context (GRCh38, chr19:35,845,702, plus strand): 5'-GAGGGGAGGGATCCCTCGCACTCCCACCTCTCCCCTTCCTTGTCCCAGGACAAGTTGACC[G>T]GCGGATTGCTGCTGACGCTGACGCATGTCAAGTTTAAGGCGTCTCCCGGGCGCAGTGCGG-3'
Protein context (NP_004637.1, residues 565-585): LTCVSVSSNP[Pro575Gln]VNLSWDKEGE

ClinVar aggregate classification (germline): Likely pathogenic (0 of 4 stars; one submission).

Conditions:
Finnish congenital nephrotic syndrome (NPHS1). Also called: NEPHROTIC SYNDROME, TYPE 1. Identifiers: Orphanet 839, MedGen C0403399, MONDO:0009732, OMIM 256300.

Allele frequency attached by ClinVar (database versions not stated): TOPMed below 0.00001; ExAC 0.00001.
gnomAD v4.1: 4 of 1,614,044 alleles (0.00025%); highest among the groups gnomAD compares: Non-Finnish European, 0.00034%; no homozygotes.

Submission:

Juha Muilu Group; Institute for Molecular Medicine Finland (FIMM)
Classification: Likely pathogenic for Finnish congenital nephrotic syndrome. Review status: no assertion criteria provided. Collection method: not provided. Allele origin: unknown.
Comment: FinDis database variant: This variant was not found or characterized by our laboratory, data were collected from public sources: see reference
ClinVar note: Converted during submission from probable-pathogenic to Likely pathogenic.